The following is an entry in ClinVar:

ClinVar aggregate classification (germline): Likely pathogenic (1 of 4 stars; one submission).

Conditions:
Abortive cerebellar ataxia (BEHRS). Also called: Behr syndrome; OPTIC ATROPHY, INFANTILE HEREDITARY, WITH NEUROLOGIC ABNORMALITIES. Identifiers: Orphanet 1239, MedGen C0221061, MONDO:0008858, OMIM 210000.

Submission:

Centre for Mendelian Genomics, University Medical Centre Ljubljana
Classification: Likely pathogenic for Abortive cerebellar ataxia. Last evaluated: 2016-01-01. Review status: criteria provided, single submitter. Criteria: ACMG Guidelines, 2015. Collection method: clinical testing. Allele origin: unknown. Affected: yes.
Comment: This variant was classified as: Likely pathogenic. The following ACMG criteria were applied in classifying this variant: PVS1,PM2.

NM_130837.3(OPA1):c.2489G>A (p.Trp830Ter)

Gene: OPA1 (OPA1 mitochondrial dynamin like GTPase; plus strand). Cytogenetic location: 3q29.
Variant type: single nucleotide variant.
Coding change: c.2489G>A on transcript NM_130837.3 (MANE Select); coding-DNA position 2489, G replaced by A.
Protein change: p.Trp830Ter; replaces tryptophan 830 with a stop codon.
Molecular consequence: nonsense.
Genome position (GRCh38, 1-based): chr3:193,659,530, G>A. VCF-style: chr3-193659530-G-A. GRCh37 (hg19) VCF-style: chr3-193377319-G-A.
Other names: c.1955G>A, p.Trp652Ter (NM_001354663.2); c.1952G>A, p.Trp651Ter (NM_001354664.2); c.2324G>A, p.Trp775Ter (NM_015560.3); c.2216G>A, p.Trp739Ter (NM_130831.3); c.2270G>A, p.Trp757Ter (NM_130832.3); c.2327G>A, p.Trp776Ter (NM_130833.3); c.2378G>A, p.Trp793Ter (NM_130834.3); c.2381G>A, p.Trp794Ter (NM_130835.3); and 1 more; short protein forms W651*, W793*, W794*, W775*, W776*, W830*, W739*, W757*.
Identifiers: ClinVar variation 930410 (VCV000930410.3), dbSNP rs1287548904, ClinGen allele CA355792907.
Genomic context (GRCh38, chr3:193,659,530, plus strand): 5'-TTTTTTTTCTAGCTGAAAATGCAATTGAAAACATGGTGGGTCCAGACTGGAAAAAGAGGT[G>A]GTTATACTGGAAGAATCGGACCCAAGAACAGGTAGAAATAAACAAGTCTCTAGTCTTATG-3'